The following is an entry in ClinVar:

NM_022834.5(VWA1):c.976G>C (p.Ala326Pro)

Gene: VWA1 (von Willebrand factor A domain containing 1; plus strand). Cytogenetic location: 1p36.33.
Variant type: single nucleotide variant.
Coding change: c.976G>C on transcript NM_022834.5 (MANE Select); coding-DNA position 976, G replaced by C.
Protein change: p.Ala326Pro; replaces alanine 326 with proline.
Molecular consequence: missense variant. On other transcripts: 3 prime UTR variant (1).
Genome position (GRCh38, 1-based): chr1:1,439,425, G>C. VCF-style: chr1-1439425-G-C. GRCh37 (hg19) VCF-style: chr1-1374805-G-C.
Other names: p.Ala326Pro; c.*386G>C (NM_199121.3); short protein forms A326P.
Identifiers: ClinVar variation 1229112 (VCV001229112.6), dbSNP rs2275916, ClinGen allele CA523300.

ClinVar aggregate classification (germline): Conflicting classifications of pathogenicity. Review status: criteria provided, conflicting classifications (1 of 4 stars). 4 submissions from 4 submitters: Pathogenic (1); Benign (3). Last evaluated 2022-03-23.

Conditions:
Zygodactyly type 1. Identifiers: Orphanet 295187, Orphanet 93402, MedGen C1853294, MONDO:0012351, OMIM 609815.

Allele frequency attached by ClinVar (database versions not stated): gnomAD exomes 0.01565 and 0.04006; gnomAD 0.04585 and 0.04674; 1000 Genomes Project 0.06230; 1000 Genomes Project 30x 0.06168; TOPMed 0.05356; ExAC 0.05720.

Submissions (4):

Mayo Clinic Laboratories, Mayo Clinic
Classification: Benign. Last evaluated: 2022-03-23. Review status: criteria provided, single submitter. Criteria: ACMG Guidelines, 2015. Collection method: clinical testing. Allele origin: germline. Observed: 30 variant alleles.

GeneDx
Classification: Benign. Last evaluated: 2021-05-05. Review status: criteria provided, single submitter. Criteria: GeneDx Variant Classification Process June 2021. Collection method: clinical testing. Allele origin: germline. Affected: yes.

Breakthrough Genomics
Classification: Benign. Review status: criteria provided, single submitter. Criteria: ACMG Guidelines, 2015. Collection method: not provided. Allele origin: germline. Inheritance: Autosomal recessive inheritance. Affected: yes.

Dr. Orhan Ocalgiray Molecular Biology-Biotechnology and Genetics Research Centre (MOBGAM), Istanbul Technical University
Classification: Pathogenic for Zygodactyly type 1. Review status: criteria provided, single submitter. Criteria: ACMG Guidelines, 2015. Collection method: research. Allele origin: germline. Inheritance: Autosomal dominant inheritance. Affected: yes.
Comment: rs2275916 is a frequent variant (0.012 in Turks, 13/1112 alleles) in 3UTR harboring an enhancer like region, found in multiple individuals in Turkish ZD1 participants. It is enhanced in ZD1 group compared to general population (p=5.7E-07).